The following is an entry in ClinVar:

NM_001127222.2(CACNA1A):c.4501_4503del (p.Phe1501del)

Gene: CACNA1A (calcium voltage-gated channel subunit alpha1 A; minus strand). Cytogenetic location: 19p13.13.
Variant type: Deletion.
Coding change: c.4501_4503del on transcript NM_001127222.2 (MANE Select); coding-DNA positions 4501 to 4503, 3 bases deleted (TTT; older notation c.4501_4503delTTT).
Protein change: p.Phe1501del; deletes phenylalanine 1501.
Molecular consequence: inframe deletion.
Genome position (GRCh38, 1-based): chr19:13,257,437-13,257,439, AAA deleted on the plus strand (TTT on the coding strand, the reverse complement: CACNA1A is on the minus strand). VCF-style (leftmost placement, unchanged base first): chr19-13257436-CAAA-C. GRCh37 (hg19) VCF-style: chr19-13368250-CAAA-C.
Other names: c.4513_4515del, p.Phe1505del (NM_000068.4, NM_023035.3); c.4504_4506del, p.Phe1502del (NM_001127221.2, NM_001174080.2); c.4504_4506delTTT (NM_001127221.1); short protein forms F1502del, F1501del, F1505del.
Identifiers: ClinVar variation 429427 (VCV000429427.2), dbSNP rs1131691374, ClinGen allele CA645369782.
Genomic context (GRCh38, chr19:13,257,436, plus strand): 5'-CCATCATCTTGTCCCCTTGCTCCTGGAAGGTGATGATGATCAAGGCCACAAAGATATTGA[CAAA>C]GAAGAAGGGGAACACCACAAAGTAGACGACGTAGAAAATGGACATCTCCATGCGGTACCC-3'

ClinVar aggregate classification (germline): Pathogenic (1 of 4 stars; one submission).

Submission:

GeneDx
Classification: Pathogenic. Last evaluated: 2017-05-09. Review status: criteria provided, single submitter. Criteria: GeneDx Variant Classification (06012015). Collection method: clinical testing. Allele origin: germline. Affected: yes.
Comment: The c.4504_4506delTTT variant in the CACNA1A gene has not been reported previously as a pathogenic variant nor as a benign variant, to our knowledge. The c.4504_4506delTTT variant results in an in-frame deletion of a single Phenylalanine residue, denoted p.Phe1502del. A different nucleotide change resulting in the same amnio acid deletion, c.4503_4505delCTT, has been reported as a de novo variant in two unrelated children with developmental delay, hypotonia, congenital ataxia, and abnormal eye movements (GarcÃ­a Segarra et al., 2014; Bahamonde et al., 2015). The c.4504_4506delTTT deletion occurs at a position that is conserved across species. In silico analysis predicts this variant is probably damaging to the protein structure/function. The c.4504_4506delTTT variant is not observed in large population cohorts (Lek et al., 2016; 1000 Genomes Consortium et al., 2015; Exome Variant Server). We interpret c.4504_4506delTTT as a pathogenic variant.